The following is an entry in ClinVar:

NM_032119.4(ADGRV1):c.18803-13A>G

Gene: ADGRV1 (adhesion G protein-coupled receptor V1; plus strand). Cytogenetic location: 5q14.3.
Variant type: single nucleotide variant.
Coding change: c.18803-13A>G on transcript NM_032119.4 (MANE Select); 13 bases into the intron before coding-DNA position 18803, A replaced by G.
Molecular consequence: intron variant.
Genome position (GRCh38, 1-based): chr5:91,163,769, A>G. VCF-style: chr5-91163769-A-G. GRCh37 (hg19) VCF-style: chr5-90459586-A-G.
Identifiers: ClinVar variation 46303 (VCV000046303.20), dbSNP rs41305902, ClinGen allele CA138088.

ClinVar aggregate classification (germline): Benign/Likely benign. Review status: criteria provided, multiple submitters, no conflicts (2 of 4 stars). 7 submissions from 7 submitters: Benign (2); Likely benign (3). 2 of the submissions do not count toward it. Last evaluated 2026-02-02.

Conditions:
Usher syndrome type 2C. Also called: Usher syndrome, type 2B; USHER SYNDROME, TYPE IIC. Identifiers: Orphanet 231178, Orphanet 886, MedGen C2931213, MONDO:0011558, OMIM 605472.

Allele frequency attached by ClinVar (database versions not stated): ESP Exome Variant Server 0.00067; gnomAD exomes 0.00074 and 0.00084; gnomAD 0.00082 and 0.00083; TOPMed 0.00125; 1000 Genomes Project 30x 0.00156; 1000 Genomes Project 0.00160; ExAC 0.00200.
gnomAD v4.1: 946 of 1,246,720 alleles (0.076%); highest among the groups gnomAD compares: Admixed American, 0.34%; 1 homozygote.

Submissions (7):

Labcorp Genetics (formerly Invitae), Labcorp
Classification: Benign. Last evaluated: 2026-02-02. Review status: criteria provided, single submitter. Criteria: Invitae Variant Classification Sherloc (09022015). Collection method: clinical testing. Allele origin: germline.

Blueprint Genetics
Classification: Likely benign. Last evaluated: 2024-11-01. Review status: criteria provided, single submitter. Criteria: ACMG Guidelines, 2015. Collection method: clinical testing. Allele origin: germline.

GeneDx
Classification: Likely benign. Last evaluated: 2020-12-04. Review status: criteria provided, single submitter. Criteria: GeneDx Variant Classification Process June 2021. Collection method: clinical testing. Allele origin: germline. Affected: yes.

Illumina Laboratory Services, Illumina
Classification: Likely benign for Usher syndrome type 2C. Last evaluated: 2018-01-13. Review status: criteria provided, single submitter. Criteria: ICSL Variant Classification Criteria 13 December 2019. Collection method: clinical testing. Allele origin: germline.
Comment: This variant was observed in the ICSL laboratory as part of a predisposition screen in an ostensibly healthy population. It had not been previously curated by ICSL or reported in the Human Gene Mutation Database (HGMD: prior to June 1st, 2018), and was therefore a candidate for classification through an automated scoring system. Utilizing variant allele frequency, disease prevalence and penetrance estimates, and inheritance mode, an automated score was calculated to assess if this variant is too frequent to cause the disease. Based on the score and internal cut-off values, a variant classified as likely benign is not then subjected to further curation. The score for this variant resulted in a classification of likely benign for this disease.

Laboratory for Molecular Medicine, Mass General Brigham Personalized Medicine
Classification: Benign. Last evaluated: 2015-01-30. Review status: criteria provided, single submitter. Criteria: LMM Criteria. Collection method: clinical testing. Allele origin: germline. Observed: 3 variant alleles.
Comment: 18803-13A>G in intron 89 of GPR98: This variant is not expected to have clinical significance because it has been identified in 2% (26/1344) of Latino chromosom es by the Exome Aggregation Consortium (ExAC; db SNP rs41305902). In addition, this variant is located in the 3' splice region, b ut computational tools do not suggest an impact to splicing.

Clinical Genetics, Academic Medical Center
Classification: Benign. Review status: no assertion criteria provided. Collection method: clinical testing. Allele origin: germline. Affected: yes. Study: VKGL Data-share Consensus. Not counted in ClinVar's aggregate classification.

Genome Diagnostics Laboratory, University Medical Center Utrecht
Classification: Benign. Review status: no assertion criteria provided. Collection method: clinical testing. Allele origin: germline. Affected: yes. Study: VKGL Data-share Consensus. Not counted in ClinVar's aggregate classification.